The following is an entry in ClinVar:

NM_174936.4(PCSK9):c.1303G>T (p.Val435Leu)

Gene: PCSK9 (proprotein convertase subtilisin/kexin type 9; plus strand). Cytogenetic location: 1p32.3.
Variant type: single nucleotide variant.
Coding change: c.1303G>T on transcript NM_174936.4 (MANE Select); coding-DNA position 1303, G replaced by T.
Protein change: p.Val435Leu; replaces valine 435 with leucine.
Molecular consequence: missense variant.
Genome position (GRCh38, 1-based): chr1:55,058,158, G>T. VCF-style: chr1-55058158-G-T. GRCh37 (hg19) VCF-style: chr1-55523831-G-T.
Other names: short protein forms V435L.
Identifiers: ClinVar variation 921732 (VCV000921732.6), dbSNP rs780948835, ClinGen allele CA036289.

ClinVar aggregate classification (germline): Conflicting classifications of pathogenicity. Review status: criteria provided, conflicting classifications (1 of 4 stars). 3 submissions from 3 submitters: Uncertain significance (2); Likely benign (1). Last evaluated 2024-08-30.

Conditions:
Cardiovascular phenotype. Identifiers: MedGen CN230736.
Familial hypercholesterolemia. Also called: Familial hypercholesterolemias; Familial hypercholesterolaemia. Identifiers: MedGen C0020445, MONDO:0005439.
Hypercholesterolemia, autosomal dominant, 3 (FHCL3). Also called: Familial hypercholesterolemia 3; Familial Hypercholesterolemia, Autosomal Dominant, 3; PCSK9-Related Familial Hypercholesterolemia, Autosomal Dominant. Identifiers: MedGen C1863551, MONDO:0011369, OMIM 603776.

Allele frequency attached by ClinVar (database versions not stated): TOPMed below 0.00001; gnomAD exomes 0.00002; ExAC 0.00004.
gnomAD v4.1: 28 of 1,613,556 alleles (0.0017%); highest among the groups gnomAD compares: Non-Finnish European, 0.0022%; no homozygotes.

Submissions (3):

All of Us Research Program, National Institutes of Health
Classification: Uncertain significance for Hypercholesterolemia, autosomal dominant, 3. Last evaluated: 2024-08-30. Review status: criteria provided, single submitter. Criteria: ACMG Guidelines, 2015. Collection method: clinical testing. Allele origin: germline. Inheritance: Autosomal dominant inheritance. Observed: 1 variant allele, 1 heterozygote.
Comment: This missense variant replaces valine with leucine at codon 435 of the PCSK9 protein. Computational prediction tool suggests that this variant may not impact protein structure and function (internally defined REVEL score threshold <=0.5, PMID: 27666373). Splice site prediction tools suggest that this variant may not impact RNA splicing. To our knowledge, functional studies have not been performed for this variant. This variant has not been reported in individuals affected with familial hypercholesterolemia in the literature. This variant has been identified in 5/250894 chromosomes in the general population by the Genome Aggregation Database (gnomAD). The available evidence is insufficient to determine the role of this variant in disease conclusively. Therefore, this variant is classified as a Variant of Uncertain Significance.

This study involves interpretation of variants in research participants for the purpose of population health screening. Participant phenotype was not available at the time of variant classification. Additional details can be found in publication PMID: 35346344, PMCID: PMC8962531

Ambry Genetics
Classification: Likely benign for Cardiovascular phenotype. Last evaluated: 2024-05-20. Review status: criteria provided, single submitter. Criteria: Ambry Variant Classification Scheme 2023. Collection method: clinical testing. Allele origin: germline.

Color Diagnostics, LLC DBA Color Health
Classification: Uncertain significance for Familial hypercholesterolemia. Last evaluated: 2024-03-06. Review status: criteria provided, single submitter. Criteria: ACMG Guidelines, 2015. Collection method: clinical testing. Allele origin: germline.
Comment: This missense variant replaces valine with leucine at codon 435 of the PCSK9 protein. Computational prediction tool suggests that this variant may not impact protein structure and function (internally defined REVEL score threshold <=0.5, PMID: 27666373). Splice site prediction tools suggest that this variant may not impact RNA splicing. To our knowledge, functional studies have not been performed for this variant. This variant has not been reported in individuals affected with familial hypercholesterolemia in the literature. This variant has been identified in 5/250894 chromosomes in the general population by the Genome Aggregation Database (gnomAD). The available evidence is insufficient to determine the role of this variant in disease conclusively. Therefore, this variant is classified as a Variant of Uncertain Significance.